The following is an entry in ClinVar:

NM_001195305.3(BBIP1):c.50T>A (p.Ile17Lys)

Gene: BBIP1 (BBSome interacting protein 1; minus strand). Cytogenetic location: 10q25.2.
Variant type: single nucleotide variant.
Coding change: c.50T>A on transcript NM_001195305.3 (MANE Select); coding-DNA position 50, T replaced by A.
Protein change: p.Ile17Lys; replaces isoleucine 17 with lysine.
Molecular consequence: missense variant. On other transcripts: nonsense (1), 5 prime UTR variant (1), intron variant (1).
Genome position (GRCh38, 1-based): chr10:110,901,600, A>T on the plus strand (T>A on the coding strand, the complement: BBIP1 is on the minus strand). VCF-style: chr10-110901600-A-T. GRCh37 (hg19) VCF-style: chr10-112661358-A-T.
Other names: c.207T>A, p.Tyr69Ter (NM_001195304.2); c.50T>A, p.Ile17Lys (NM_001195306.2); c.-17T>A (NM_001243783.3); c.38-1074T>A (NM_001195307.2); c.207T>A (NM_001195304.1); short protein forms I17K, Y69*.
Identifiers: ClinVar variation 968181 (VCV000968181.9), dbSNP rs879329788, ClinGen allele CA213247773.

ClinVar aggregate classification (germline): Uncertain significance. Review status: criteria provided, multiple submitters, no conflicts (2 of 4 stars). 3 submissions from 3 submitters: Uncertain significance (3). Last evaluated 2026-09-09.

Conditions:
BBIP1-related disorder. Also called: BBIP1-related condition.
Bardet-Biedl syndrome 18 (BBS18). Identifiers: Orphanet 110, MedGen C3806174, MONDO:0014446, OMIM 615995.

Allele frequency attached by ClinVar (database versions not stated): gnomAD 0.00001; TOPMed 0.00001.
gnomAD v4.1: 26 of 1,535,056 alleles (0.0017%); highest among the groups gnomAD compares: Non-Finnish European, 0.0021%; no homozygotes.

Submissions (3):

PreventionGenetics, part of Exact Sciences
Classification: Uncertain significance for BBIP1-related condition. Last evaluated: 2026-09-09. Review status: criteria provided, single submitter. Criteria: ACMG Guidelines, 2015. Collection method: clinical testing. Allele origin: germline.
Comment: The BBIP1 c.207T>A variant is predicted to result in premature protein termination (p.Tyr69*). To our knowledge, this variant has not been reported in the literature. This variant is reported in 0.0066% of alleles in individuals of African descent in gnomAD. At this time, the clinical significance of this variant is uncertain due to the absence of conclusive functional and genetic evidence.

Labcorp Genetics (formerly Invitae), Labcorp
Classification: Uncertain significance. Last evaluated: 2025-02-06. Review status: criteria provided, single submitter. Criteria: Invitae Variant Classification Sherloc (09022015). Collection method: clinical testing. Allele origin: germline.
Comment: This sequence change replaces isoleucine, which is neutral and non-polar, with lysine, which is basic and polar, at codon 17 of the BBIP1 protein (p.Ile17Lys). This variant is present in population databases (no rsID available, gnomAD 0.007%). This variant has not been reported in the literature in individuals affected with BBIP1-related conditions. ClinVar contains an entry for this variant (Variation ID: 968181). An algorithm developed to predict the effect of missense changes on protein structure and function (PolyPhen-2) suggests that this variant is likely to be tolerated. In summary, the available evidence is currently insufficient to determine the role of this variant in disease. Therefore, it has been classified as a Variant of Uncertain Significance.

Fulgent Genetics
Classification: Uncertain significance for Bardet-Biedl syndrome 18. Last evaluated: 2022-03-12. Review status: criteria provided, single submitter. Criteria: ACMG Guidelines, 2015. Collection method: clinical testing. Allele origin: unknown.